The following is an entry in ClinVar:

NM_001009944.3(PKD1):c.8929A>C (p.Thr2977Pro)

Gene: PKD1 (polycystin 1, transient receptor potential channel interacting; minus strand). Cytogenetic location: 16p13.3.
Variant type: single nucleotide variant.
Coding change: c.8929A>C on transcript NM_001009944.3 (MANE Select); coding-DNA position 8929, A replaced by C.
Protein change: p.Thr2977Pro; replaces threonine 2977 with proline.
Molecular consequence: missense variant.
Genome position (GRCh38, 1-based): chr16:2,102,833, T>G on the plus strand (A>C on the coding strand, the complement: PKD1 is on the minus strand). VCF-style: chr16-2102833-T-G. GRCh37 (hg19) VCF-style: chr16-2152834-T-G.
Other names: c.8929A>C, p.Thr2977Pro (NM_000296.4); short protein forms T2977P.
Identifiers: ClinVar variation 4536070 (VCV004536070.1).

ClinVar aggregate classification (germline): Uncertain significance (1 of 4 stars; one submission).

Submission:

Women's Health and Genetics/Laboratory Corporation of America, LabCorp
Classification: Uncertain significance. Last evaluated: 2025-09-22. Review status: criteria provided, single submitter. Criteria: LabCorp Variant Classification Summary - May 2015. Collection method: clinical testing. Allele origin: germline.
Comment: Variant summary: PKD1 c.8929A>C (p.Thr2977Pro) results in a non-conservative amino acid change in the encoded protein sequence. Algorithms developed to predict the effect of missense changes on protein structure and function are either unavailable or do not agree on the potential impact of this missense change. The variant was absent in 248532 control chromosomes. The available data on variant occurrences in the general population are insufficient to allow any conclusion about variant significance. To our knowledge, no occurrence of c.8929A>C in individuals affected with PKD1-related conditions and no experimental evidence demonstrating its impact on protein function have been reported. No submitters have cited clinical-significance assessments for this variant to ClinVar. Based on the evidence outlined above, the variant was classified as uncertain significance.